The following is an entry in ClinVar:

NM_001038603.3(MARVELD2):c.919G>A (p.Ala307Thr)

Gene: MARVELD2 (MARVEL domain containing 2; plus strand). Cytogenetic location: 5q13.2.
Variant type: single nucleotide variant.
Coding change: c.919G>A on transcript NM_001038603.3 (MANE Select); coding-DNA position 919, G replaced by A.
Protein change: p.Ala307Thr; replaces alanine 307 with threonine.
Molecular consequence: missense variant.
Genome position (GRCh38, 1-based): chr5:69,420,304, G>A. VCF-style: chr5-69420304-G-A. GRCh37 (hg19) VCF-style: chr5-68716131-G-A.
Other names: c.919G>A, p.Ala307Thr (NM_001244734.2); short protein forms A307T.
Identifiers: ClinVar variation 930150 (VCV000930150.11), dbSNP rs779068129, ClinGen allele CA3294137.

ClinVar aggregate classification (germline): Uncertain significance. Review status: criteria provided, multiple submitters, no conflicts (2 of 4 stars). 2 submissions from 2 submitters: Uncertain significance (2). Last evaluated 2021-06-25.

gnomAD v4.1: 25 of 1,614,002 alleles (0.0015%); highest among the groups gnomAD compares: Non-Finnish European, 0.0019%; no homozygotes.

Submissions (2):

Labcorp Genetics (formerly Invitae), Labcorp
Classification: Uncertain significance. Last evaluated: 2021-06-25. Review status: criteria provided, single submitter. Criteria: Invitae Variant Classification Sherloc (09022015). Collection method: clinical testing. Allele origin: germline.
Comment: In summary, the available evidence is currently insufficient to determine the role of this variant in disease. Therefore, it has been classified as a Variant of Uncertain Significance. This sequence change replaces alanine with threonine at codon 307 of the MARVELD2 protein (p.Ala307Thr). The alanine residue is highly conserved and there is a small physicochemical difference between alanine and threonine. This variant is present in population databases (rs779068129, ExAC 0.003%). This variant has not been reported in the literature in individuals affected with MARVELD2-related conditions. ClinVar contains an entry for this variant (Variation ID: 930150). Algorithms developed to predict the effect of missense changes on protein structure and function are either unavailable or do not agree on the potential impact of this missense change (SIFT: "Deleterious"; PolyPhen-2: "Probably Damaging"; Align-GVGD: "Class C0").

Laboratory for Molecular Medicine, Mass General Brigham Personalized Medicine
Classification: Uncertain significance. Last evaluated: 2019-06-28. Review status: criteria provided, single submitter. Criteria: LMM Criteria. Collection method: clinical testing. Allele origin: germline. Observed: 1 variant allele.
Comment: The p.Ala307Thr variant in MARVELD2 has not been previously reported in individuals with hearing loss but has been identified in 0.003% (1/30616) of South Asian chromosomes by gnomAD. Computational prediction tools and conservation analysis do not provide strong support for or against an impact to the protein. In summary, the clinical significance of this variant is uncertain. ACMG/AMP Criteria applied: PM2.